The following is an entry in ClinVar:

ClinVar aggregate classification (germline): Uncertain significance (1 of 4 stars; one submission).

Conditions:
Asphyxiating thoracic dystrophy 5 (SRTD5). Also called: SHORT-RIB THORACIC DYSPLASIA 5 WITH OR WITHOUT POLYDACTYLY; SHORT-RIB THORACIC DYSPLASIA 5 WITHOUT POLYDACTYLY. Identifiers: Orphanet 474, MedGen C3280598, MONDO:0013717, OMIM 614376.
Senior-Loken syndrome 8 (SLSN8). Identifiers: Orphanet 3156, MedGen C4225376, MONDO:0014579, OMIM 616307.

Allele frequency attached by ClinVar (database versions not stated): gnomAD exomes below 0.00001.
gnomAD v4.1: 4 of 1,530,810 alleles (0.00026%); highest among the groups gnomAD compares: Admixed American, 0.0019%; no homozygotes.

Submission:

Labcorp Genetics (formerly Invitae), Labcorp
Classification: Uncertain significance for Senior-Loken syndrome 8; Asphyxiating thoracic dystrophy 5. Last evaluated: 2026-01-05. Review status: criteria provided, single submitter. Criteria: Invitae Variant Classification Sherloc (09022015). Collection method: clinical testing. Allele origin: germline.
Comment: This sequence change replaces serine, which is neutral and polar, with leucine, which is neutral and non-polar, at codon 1037 of the WDR19 protein (p.Ser1037Leu). The frequency data for this variant in the population databases is considered unreliable, as metrics indicate poor data quality at this position in the gnomAD database. This variant has not been reported in the literature in individuals affected with WDR19-related conditions. ClinVar contains an entry for this variant (Variation ID: 1486068). Invitae Evidence Modeling of protein sequence and biophysical properties (such as structural, functional, and spatial information, amino acid conservation, physicochemical variation, residue mobility, and thermodynamic stability) indicates that this missense variant is not expected to disrupt WDR19 protein function with a negative predictive value of 80%. In summary, the available evidence is currently insufficient to determine the role of this variant in disease. Therefore, it has been classified as a Variant of Uncertain Significance.

NM_025132.4(WDR19):c.3110C>T (p.Ser1037Leu)

Gene: WDR19 (WD repeat domain 19; plus strand). Cytogenetic location: 4p14.
Variant type: single nucleotide variant.
Coding change: c.3110C>T on transcript NM_025132.4 (MANE Select); coding-DNA position 3110, C replaced by T.
Protein change: p.Ser1037Leu; replaces serine 1037 with leucine.
Molecular consequence: missense variant.
Genome position (GRCh38, 1-based): chr4:39,255,956, C>T. VCF-style: chr4-39255956-C-T. GRCh37 (hg19) VCF-style: chr4-39257576-C-T.
Other names: c.2630C>T, p.Ser877Leu (NM_001317924.2); short protein forms S1037L, S877L.
Identifiers: ClinVar variation 1486068 (VCV001486068.6), dbSNP rs1224983700, ClinGen allele CA356642343.
Genomic context (GRCh38, chr4:39,255,956, plus strand): 5'-TTGAAGGAGAAAAGAGATATCTTCAGGCTGGAAAATTCTTCTTGCTGTGTGGCCAATATT[C>T]ACGAGTTAGTATTTGCCAAGAAAATATACACTGACTCCGCAGGAATAATTGTAGGAAATA-3'
Protein context (NP_079408.3, residues 1027-1047): GKFFLLCGQY[Ser1037Leu]RALKHFLKCP